The following is an entry in ClinVar:

ClinVar aggregate classification (germline): Pathogenic. Review status: criteria provided, multiple submitters, no conflicts (2 of 4 stars). 9 submissions from 9 submitters: Pathogenic (8). 1 of the submissions does not count toward it. Last evaluated 2026-04-01.

Conditions:
Carnitine deficiency. Identifiers: MedGen C1142132.
SLC22A5-related disorder. Also called: SLC22A5-related condition.
Renal carnitine transport defect (CDSP). Also called: CARNITINE DEFICIENCY, SYSTEMIC, DUE TO DEFECT IN RENAL REABSORPTION OF CARNITINE; CARNITINE TRANSPORTER, PLASMA-MEMBRANE, DEFICIENCY OF; CARNITINE UPTAKE DEFECT; Carnitine transporter deficiency; Systemic primary carnitine deficiency disease; Primary carnitine deficiency. Identifiers: Orphanet 158, MedGen C0342788, MONDO:0008919, OMIM 212140.

Allele frequency attached by ClinVar (database versions not stated): gnomAD 0.00002; gnomAD exomes 0.00002; TOPMed 0.00003.
gnomAD v4.1: 26 of 1,614,050 alleles (0.0016%); highest among the groups gnomAD compares: Non-Finnish European, 0.0019%; 1 homozygote.

Submissions (9):

CeGaT Center for Human Genetics Tuebingen
Classification: Pathogenic. Last evaluated: 2026-04-01. Review status: criteria provided, single submitter. Criteria: CeGaT Center For Human Genetics Tuebingen Variant Classification Criteria Version 2. Collection method: clinical testing. Allele origin: germline. Affected: yes. Observed: 5 variant alleles.
Comment: SLC22A5: PM3:Very Strong, PM2, PM5, PS3:Supporting

PreventionGenetics, part of Exact Sciences
Classification: Pathogenic for SLC22A5-related condition. Last evaluated: 2025-12-17. Review status: criteria provided, single submitter. Criteria: ACMG Guidelines, 2015. Collection method: clinical testing. Allele origin: germline.
Comment: The SLC22A5 c.1196G>A variant is predicted to result in the amino acid substitution p.Arg399Gln. This variant was reported in the compound heterozygous and homozygous states in individuals with primary carnitine deficiency (Wang et al. 2001. PubMed ID: 11715001; Frigeni et al. 2017. PubMed ID: 28841266; Supplementary Table 5, Adhikari et al. 2020. PubMed ID: 32778825; Lin et al. 2020. PubMed ID: 33181153; Li et al. 2022. PubMed ID: 35095998). This variant is reported in 0.0062% of alleles in individuals of African descent in gnomAD. This variant is interpreted as pathogenic.

Labcorp Genetics (formerly Invitae), Labcorp
Classification: Pathogenic for Renal carnitine transport defect. Last evaluated: 2025-11-04. Review status: criteria provided, single submitter. Criteria: Invitae Variant Classification Sherloc (09022015). Collection method: clinical testing. Allele origin: germline.
Comment: This sequence change replaces arginine, which is basic and polar, with glutamine, which is neutral and polar, at codon 399 of the SLC22A5 protein (p.Arg399Gln). This variant is present in population databases (rs121908891, gnomAD 0.007%). This missense change has been observed in individual(s) with primary carnitine deficiency (PMID: 11715001, 28841266). It has also been observed to segregate with disease in related individuals. ClinVar contains an entry for this variant (Variation ID: 6424). Invitae Evidence Modeling of protein sequence and biophysical properties (such as structural, functional, and spatial information, amino acid conservation, physicochemical variation, residue mobility, and thermodynamic stability) indicates that this missense variant is expected to disrupt SLC22A5 protein function with a positive predictive value of 95%. Experimental studies have shown that this missense change affects SLC22A5 function (PMID: 11715001). This variant disrupts the p.Arg399 amino acid residue in SLC22A5. Other variant(s) that disrupt this residue have been determined to be pathogenic (PMID: 20027113, 20574985, 25132046, 28841266). This suggests that this residue is clinically significant, and that variants that disrupt this residue are likely to be disease-causing. For these reasons, this variant has been classified as Pathogenic.

Natera, Inc.
Classification: Pathogenic for Carnitine deficiency. Last evaluated: 2025-07-17. Review status: criteria provided, single submitter. Criteria: Natera Variant Classification Schema (03/2026). Collection method: clinical testing. Allele origin: germline.
Comment: The c.1196G>A variant in SLC22A5 is a missense variant predicted to cause substitution of arginine to glutamine at amino acid 399. This variant is rare in the general population with a frequency below the threshold expected for the associated phenotype(s). This variant has been observed in one or more individuals affected with the associated recessive disease, as either homozygous or compound heterozygous with a second variant (PMID: 11715001, 28841266, 38187300, 35095998). Additionally, this variant has been observed to segregate in affected family members (PMID: 11715001). Functional studies show that this variant may disrupt protein function (PMID: 11715001). A different variant at the same position has been determined to be Pathogenic or Likely Pathogenic. Computational prediction algorithms indicate this variant is likely to affect gene or protein function. Given the available evidence, this variant is classified as Pathogenic.

Blueprint Genetics
Classification: Pathogenic for SLC22A5-related disorders. Last evaluated: 2024-10-09. Review status: criteria provided, single submitter. Criteria: ACMG Guidelines, 2015. Collection method: clinical testing. Allele origin: germline. Affected: yes. Observed: 2 variant alleles.

Genome-Nilou Lab
Classification: Pathogenic for Renal carnitine transport defect. Last evaluated: 2021-07-22. Review status: criteria provided, single submitter. Criteria: ACMG Guidelines, 2015. Collection method: clinical testing. Allele origin: germline. Affected: no.

GeneDx
Classification: Pathogenic. Last evaluated: 2020-12-09. Review status: criteria provided, single submitter. Criteria: GeneDx Variant Classification Process June 2021. Collection method: clinical testing. Allele origin: germline. Affected: yes.
Comment: Expression of R399Q in CHO cells reduced carnitine transport to 5% of normal transport activity (Wang et al., 2001); Not observed at a significant frequency in large population cohorts (Lek et al., 2016); In silico analysis supports that this missense variant has a deleterious effect on protein structure/function; This variant is associated with the following publications: (PMID: 28841266, 28711408, 11715001, 16652335, 27931018, 15714519, 28186590)

Women's Health and Genetics/Laboratory Corporation of America, LabCorp
Classification: Pathogenic for Renal carnitine transport defect. Last evaluated: 2019-07-05. Review status: criteria provided, single submitter. Criteria: LabCorp Variant Classification Summary - May 2015. Collection method: clinical testing. Allele origin: germline.
Comment: Variant summary: SLC22A5 c.1196G>A (p.Arg399Gln) results in a conservative amino acid change located in the Major facilitator superfamily domain (IPR020846) of the encoded protein sequence. Four of five in-silico tools predict a damaging effect of the variant on protein function. The variant allele was found at a frequency of 1.6e-05 in 251466 control chromosomes (gnomAD). c.1196G>A has been reported in the literature in individuals affected with Systemic Primary Carnitine Deficiency (Frigeni_2017, Wang_2001). These data indicate that the variant is likely to be associated with disease. Experimental evidence evaluating an impact on protein function demonstrated that the variant protein resulted in markedly reduced carnitine transport compared to the wild-type OCTN2 (5%; Frigeni_2017, Wang_2001). No clinical diagnostic laboratories have submitted clinical-significance assessments for this variant to ClinVar after 2014. Based on the evidence outlined above, the variant was classified as pathogenic.

OMIM
Classification: Pathogenic for CARNITINE DEFICIENCY, SYSTEMIC PRIMARY. Last evaluated: 2001-11-01. Review status: no assertion criteria provided. Collection method: literature only. Allele origin: germline. Not counted in ClinVar's aggregate classification.

Literature cited by the submitters: PubMed 11715001 (cited by 4 submitters); PubMed 28841266 (cited by 3 submitters); PubMed 20027113 (cited by Labcorp Genetics (formerly Invitae), Labcorp); PubMed 20574985 (cited by Labcorp Genetics (formerly Invitae), Labcorp); PubMed 25132046 (cited by Labcorp Genetics (formerly Invitae), Labcorp); PubMed 38187300 (cited by Natera, Inc.); PubMed 35095998 (cited by Natera, Inc.).

NM_003060.4(SLC22A5):c.1196G>A (p.Arg399Gln)

Gene: SLC22A5 (solute carrier family 22 member 5; plus strand). Cytogenetic location: 5q31.1.
Variant type: single nucleotide variant.
Coding change: c.1196G>A on transcript NM_003060.4 (MANE Select); coding-DNA position 1196, G replaced by A.
Protein change: p.Arg399Gln; replaces arginine 399 with glutamine.
Molecular consequence: missense variant.
Genome position (GRCh38, 1-based): chr5:132,390,833, G>A. VCF-style: chr5-132390833-G-A. GRCh37 (hg19) VCF-style: chr5-131726525-G-A.
Other names: c.1268G>A, p.Arg423Gln (NM_001308122.2); short protein forms R399Q, R423Q.
Identifiers: ClinVar variation 6424 (VCV000006424.59), dbSNP rs121908891, ClinGen allele CA340587.